The following is an entry in ClinVar:

NM_207581.4(DUOXA2):c.228G>C (p.Trp76Cys)

Gene: DUOXA2 (dual oxidase maturation factor 2; plus strand). Cytogenetic location: 15q21.1.
Variant type: single nucleotide variant.
Coding change: c.228G>C on transcript NM_207581.4 (MANE Select); coding-DNA position 228, G replaced by C.
Protein change: p.Trp76Cys; replaces tryptophan 76 with cysteine.
Molecular consequence: missense variant.
Genome position (GRCh38, 1-based): chr15:45,116,146, G>C. VCF-style: chr15-45116146-G-C. GRCh37 (hg19) VCF-style: chr15-45408344-G-C.
Other names: short protein forms W76C.
Identifiers: ClinVar variation 1701924 (VCV001701924.4), dbSNP rs377426710, ClinGen allele CA7539296.

ClinVar aggregate classification (germline): Conflicting classifications of pathogenicity. Review status: criteria provided, conflicting classifications (1 of 4 stars). 4 submissions from 4 submitters: Pathogenic (1); Likely pathogenic (2); Uncertain significance (1). Last evaluated 2025-07-29.

Conditions:
Thyroglobulin synthesis defect (TDH5). Also called: Thyroid dyshormonogenesis 5; HYPOTHYROIDISM, CONGENITAL, DUE TO DYSHORMONOGENESIS, 5; THYROID HORMONOGENESIS, GENETIC DEFECT IN, 5. Identifiers: Orphanet 95716, MedGen C0342196, MONDO:0010137, OMIM 274900.

gnomAD v4.1: 78 of 1,613,892 alleles (0.0048%); highest among the groups gnomAD compares: South Asian, 0.083%; no homozygotes.

Submissions (4):

First Genomix Gene Laboratory, Genetic Diagnostics Department
Classification: Likely pathogenic for Thyroglobulin synthesis defect. Last evaluated: 2025-07-29. Review status: criteria provided, single submitter. Criteria: ACMG Guidelines, 2015. Collection method: clinical testing. Allele origin: germline. Inheritance: Autosomal recessive inheritance. Affected: no. Observed: 1 variant allele.

Genomic Medicine Center of Excellence, King Faisal Specialist Hospital and Research Centre
Classification: Pathogenic for Thyroglobulin synthesis defect. Last evaluated: 2024-03-29. Review status: criteria provided, single submitter. Criteria: ACMG Guidelines, 2015. Collection method: clinical testing. Allele origin: germline.

Department of Pathology and Laboratory Medicine, Sinai Health System
Classification: Uncertain significance for thyroid dyshormonogenesis 5. Last evaluated: 2023-03-12. Review status: criteria provided, single submitter. Criteria: ACMG Guidelines, 2015. Collection method: research. Allele origin: germline.

Arcensus
Classification: Likely pathogenic for Thyroglobulin synthesis defect. Last evaluated: 2013-02-01. Review status: criteria provided, single submitter. Criteria: ACMG Guidelines, 2015. Collection method: clinical testing. Allele origin: germline. Affected: yes.